The following is an entry in ClinVar:

ClinVar aggregate classification (germline): Uncertain significance (1 of 4 stars; one submission).

Conditions:
Cardiovascular phenotype. Identifiers: MedGen CN230736.

gnomAD v4.1: 3 of 1,550,552 alleles (0.00019%); highest among the groups gnomAD compares: East Asian, 0.0049%; no homozygotes.

Submission:

Ambry Genetics
Classification: Uncertain significance for Cardiovascular phenotype. Last evaluated: 2026-06-09. Review status: criteria provided, single submitter. Criteria: Ambry Variant Classification Scheme 2023. Collection method: clinical testing. Allele origin: germline.
Comment: The p.P1501S variant (also known as c.4501C>T), located in coding exon 2 of the ZNF469 gene, results from a C to T substitution at nucleotide position 4501. The proline at codon 1501 is replaced by serine, an amino acid with similar properties. This amino acid position is conserved. In addition, this alteration is predicted to be tolerated by in silico analysis. Based on the available evidence, the clinical significance of this variant remains unclear.

NM_001367624.2(ZNF469):c.4585C>T (p.Pro1529Ser)

Gene: ZNF469 (zinc finger protein 469; plus strand). Cytogenetic location: 16q24.2.
Variant type: single nucleotide variant.
Coding change: c.4585C>T on transcript NM_001367624.2 (MANE Select); coding-DNA position 4585, C replaced by T.
Protein change: p.Pro1529Ser; replaces proline 1529 with serine.
Molecular consequence: missense variant.
Genome position (GRCh38, 1-based): chr16:88,432,055, C>T. VCF-style: chr16-88432055-C-T. GRCh37 (hg19) VCF-style: chr16-88498463-C-T.
Other names: NM_001127464.1:c.4501C>T; short protein forms P1529S.
Identifiers: ClinVar variation 4866959 (VCV004866959.1).